The following is an entry in ClinVar:

ClinVar aggregate classification (germline): Conflicting classifications of pathogenicity. Review status: criteria provided, conflicting classifications (1 of 4 stars). 4 submissions from 4 submitters: Uncertain significance (3); Likely benign (1). Last evaluated 2024-12-11.

Conditions:
Hereditary cancer-predisposing syndrome. Also called: Hereditary Cancer Syndrome; Neoplastic Syndromes, Hereditary; Hereditary neoplastic syndrome; Tumor predisposition. Identifiers: Orphanet 140162, MedGen C0027672, MeSH D009386, MONDO:0015356.
Gorlin syndrome. Also called: Nevoid Basal Cell Carcinoma Syndrome; Basal cell nevus syndrome. Identifiers: Orphanet 377, MedGen C0004779, MONDO:0007187.
Breast carcinoma. Also called: Carcinoma of breast. Identifiers: MedGen C0678222, MONDO:0004989, HP:0003002.

Submissions (4):

GeneDx
Classification: Uncertain significance. Last evaluated: 2024-12-11. Review status: criteria provided, single submitter. Criteria: GeneDx Variant Classification Process June 2021. Collection method: clinical testing. Allele origin: germline. Affected: yes.
Comment: Not observed at significant frequency in large population cohorts (gnomAD); In silico analysis indicates that this missense variant does not alter protein structure/function; Has not been previously published as pathogenic or benign to our knowledge

Labcorp Genetics (formerly Invitae), Labcorp
Classification: Uncertain significance for Gorlin syndrome. Last evaluated: 2024-02-15. Review status: criteria provided, single submitter. Criteria: Invitae Variant Classification Sherloc (09022015). Collection method: clinical testing. Allele origin: germline.
Comment: This sequence change replaces glycine, which is neutral and non-polar, with alanine, which is neutral and non-polar, at codon 37 of the PTCH1 protein (p.Gly37Ala). This variant is not present in population databases (gnomAD no frequency). This variant has not been reported in the literature in individuals affected with PTCH1-related conditions. ClinVar contains an entry for this variant (Variation ID: 822183). Advanced modeling of protein sequence and biophysical properties (such as structural, functional, and spatial information, amino acid conservation, physicochemical variation, residue mobility, and thermodynamic stability) performed at Invitae indicates that this missense variant is not expected to disrupt PTCH1 protein function with a negative predictive value of 95%. In summary, the available evidence is currently insufficient to determine the role of this variant in disease. Therefore, it has been classified as a Variant of Uncertain Significance.

Ambry Genetics
Classification: Uncertain significance for Hereditary cancer-predisposing syndrome. Last evaluated: 2023-11-15. Review status: criteria provided, single submitter. Criteria: Ambry Variant Classification Scheme 2023. Collection method: clinical testing. Allele origin: germline.
Comment: The p.G37A variant (also known as c.110G>C), located in coding exon 1 of the PTCH1 gene, results from a G to C substitution at nucleotide position 110. The glycine at codon 37 is replaced by alanine, an amino acid with similar properties. This amino acid position is well conserved in available vertebrate species. In addition, this alteration is predicted to be tolerated by in silico analysis. Since supporting evidence is limited at this time, the clinical significance of this alteration remains unclear.

Institute of Human Genetics, University of Leipzig Medical Center
Classification: Likely benign for Breast carcinoma. Last evaluated: 2019-01-01. Review status: criteria provided, single submitter. Criteria: ACMG Guidelines, 2015. Collection method: clinical testing. Allele origin: unknown. Affected: yes.

NM_000264.5(PTCH1):c.110G>C (p.Gly37Ala)

Genes: PTCH1 (patched 1; minus strand), LOC130002133 (ATAC-STARR-seq lymphoblastoid silent region 20071; plus strand). Cytogenetic location: 9q22.32.
Variant type: single nucleotide variant.
Coding change: c.110G>C on transcript NM_000264.5 (MANE Select); coding-DNA position 110, G replaced by C.
Protein change: p.Gly37Ala; replaces glycine 37 with alanine.
Molecular consequence: missense variant. On other transcripts: non-coding transcript variant (1), intron variant (3).
Genome position (GRCh38, 1-based): chr9:95,508,252, C>G on the plus strand (G>C on the coding strand, the complement: PTCH1 is on the minus strand). VCF-style: chr9-95508252-C-G. GRCh37 (hg19) VCF-style: chr9-98270534-C-G.
Other names: c.110G>C, p.Gly37Ala (NM_001354918.2); c.199-1653G>C (NM_001083603.3); c.4-1653G>C (NM_001083602.3, NM_001354919.2); short protein forms G37A.
Identifiers: ClinVar variation 822183 (VCV000822183.16), dbSNP rs748780206, ClinGen allele CA374121411.